The following is an entry in ClinVar:

ClinVar aggregate classification (germline): Uncertain significance (1 of 4 stars; one submission).

Allele frequency attached by ClinVar (database versions not stated): gnomAD exomes 0.00004 and 0.00003; gnomAD 0.00005 and 0.00002; 1000 Genomes Project 30x 0.00016; 1000 Genomes Project 0.00020; TOPMed 0.00002; ExAC 0.00004.
gnomAD v4.1: 70 of 1,611,542 alleles (0.0043%); highest among the groups gnomAD compares: East Asian, 0.038%; no homozygotes.

Submission:

Laboratory for Molecular Medicine, Mass General Brigham Personalized Medicine
Classification: Uncertain significance. Last evaluated: 2015-05-12. Review status: criteria provided, single submitter. Criteria: LMM Criteria. Collection method: clinical testing. Allele origin: germline. Observed: 1 variant allele.
Comment: The p.His56His variant in MYO3A has not been previously reported in any individu al with hearing loss, but has been identified in 5/1154464 mixed race chromosome s by the Exome Aggregation Consortium (ExAC; dbS NP rs201668920). Although this variant has been seen in the general population, its frequency is not high enough to rule out a pathogenic role. This variant is located in the last three bases of the exon, which is part of the 5? splice regi on. Computational tools do not suggest an impact to splicing. However, this info rmation is not predictive enough to rule out pathogenicity. In summary, the clin ical significance of the His56His variant is uncertain.

NM_017433.5(MYO3A):c.168C>T (p.His56=)

Gene: MYO3A (myosin IIIA; plus strand). Cytogenetic location: 10p12.1.
Variant type: single nucleotide variant.
Coding change: c.168C>T on transcript NM_017433.5 (MANE Select); coding-DNA position 168, C replaced by T.
Protein change: p.His56=; no amino-acid change (histidine 56 retained).
Molecular consequence: synonymous variant.
Genome position (GRCh38, 1-based): chr10:25,952,278, C>T. VCF-style: chr10-25952278-C-T. GRCh37 (hg19) VCF-style: chr10-26241207-C-T.
Other names: c.168C>T, p.His56= (NM_001368265.1).
Identifiers: ClinVar variation 228977 (VCV000228977.4), dbSNP rs201668920, ClinGen allele CA5444207.
Genomic context (GRCh38, chr10:25,952,278, plus strand): 5'-TAAAGTATTGAATAAGAAAAATGGCCAAAAAGCAGCAGTCAAAATTCTTGATCCAATTCA[C>T]GTAAGTCATATTTTTTCCTTCTAATTAGCTTTATTTTTATCTGTATGAAACACTTAAAAA-3'
Protein context (NP_059129.3, residues 46-66): KAAVKILDPI[His56=]DIDEEIEAEY